The following is an entry in ClinVar:

NM_007227.3(GPR45):c.812T>C (p.Ile271Thr)

Gene: GPR45 (G protein-coupled receptor 45; plus strand). Cytogenetic location: 2q12.1.
Variant type: single nucleotide variant.
Coding change: c.812T>C on transcript NM_007227.3 (MANE Select); coding-DNA position 812, T replaced by C.
Protein change: p.Ile271Thr; replaces isoleucine 271 with threonine.
Molecular consequence: missense variant.
Genome position (GRCh38, 1-based): chr2:105,242,670, T>C. VCF-style: chr2-105242670-T-C. GRCh37 (hg19) VCF-style: chr2-105859127-T-C.
Other names: short protein forms I271T.
Identifiers: ClinVar variation 3691156 (VCV003691156.2).
Genomic context (GRCh38, chr2:105,242,670, plus strand): 5'-GGCAGCAACAGGTCAGCGTGGACTTGAGCTTCAAGACCAAGGCCTTCACCACCATCCTGA[T>C]CCTCTTCGTGGGCTTCTCCCTCTGCTGGCTGCCCCACTCCGTCTACAGCCTCCTGTCTGT-3'
Protein context (NP_009158.3, residues 261-281): FKTKAFTTIL[Ile271Thr]LFVGFSLCWL

ClinVar aggregate classification (germline): Uncertain significance (1 of 4 stars; one submission).

Submission:

Labcorp Genetics (formerly Invitae), Labcorp
Classification: Uncertain significance. Last evaluated: 2024-07-21. Review status: criteria provided, single submitter. Criteria: Invitae Variant Classification Sherloc (09022015). Collection method: clinical testing. Allele origin: germline.
Comment: This sequence change replaces isoleucine, which is neutral and non-polar, with threonine, which is neutral and polar, at codon 271 of the GPR45 protein (p.Ile271Thr). This variant is present in population databases (rs772988591, gnomAD 0.02%). This variant has not been reported in the literature in individuals affected with GPR45-related conditions. An algorithm developed to predict the effect of missense changes on protein structure and function outputs the following: PolyPhen-2: "Benign". The threonine amino acid residue is found in multiple mammalian species, which suggests that this missense change does not adversely affect protein function. In summary, the available evidence is currently insufficient to determine the role of this variant in disease. Therefore, it has been classified as a Variant of Uncertain Significance.